The following is an entry in ClinVar:

NM_003072.5(SMARCA4):c.1270A>C (p.Met424Leu)

Gene: SMARCA4 (SWI/SNF related BAF chromatin remodeling complex subunit ATPase 4; plus strand). Cytogenetic location: 19p13.2.
Variant type: single nucleotide variant.
Coding change: c.1270A>C on transcript NM_003072.5 (MANE Select); coding-DNA position 1270, A replaced by C.
Protein change: p.Met424Leu; replaces methionine 424 with leucine.
Molecular consequence: missense variant. On other transcripts: non-coding transcript variant (1).
Genome position (GRCh38, 1-based): chr19:10,991,174, A>C. VCF-style: chr19-10991174-A-C. GRCh37 (hg19) VCF-style: chr19-11101850-A-C.
Other names: c.1270A>C, p.Met424Leu (NM_001128844.3, NM_001128845.2, NM_001128846.2 and 5 more transcripts); short protein forms M424L.
Identifiers: ClinVar variation 537777 (VCV000537777.13), dbSNP rs1555757541, ClinGen allele CA404060540.

ClinVar aggregate classification (germline): Uncertain significance. Review status: criteria provided, multiple submitters, no conflicts (2 of 4 stars). 2 submissions from 2 submitters: Uncertain significance (2). Last evaluated 2022-03-23.

Conditions:
Rhabdoid tumor predisposition syndrome 2 (RTPS2). Identifiers: Orphanet 231108, Orphanet 69077, MedGen C2750074, MONDO:0013224, OMIM 613325.
Hereditary cancer-predisposing syndrome. Also called: Tumor predisposition; Hereditary Cancer Syndrome; Hereditary neoplastic syndrome; Neoplastic Syndromes, Hereditary. Identifiers: Orphanet 140162, MedGen C0027672, MeSH D009386, MONDO:0015356.

Allele frequency attached by ClinVar (database versions not stated): gnomAD exomes below 0.00001.

Submissions (2):

Labcorp Genetics (formerly Invitae), Labcorp
Classification: Uncertain significance for Rhabdoid tumor predisposition syndrome 2. Last evaluated: 2022-03-23. Review status: criteria provided, single submitter. Criteria: Invitae Variant Classification Sherloc (09022015). Collection method: clinical testing. Allele origin: germline.
Comment: This variant is not present in population databases (gnomAD no frequency). In summary, the available evidence is currently insufficient to determine the role of this variant in disease. Therefore, it has been classified as a Variant of Uncertain Significance. Algorithms developed to predict the effect of missense changes on protein structure and function are either unavailable or do not agree on the potential impact of this missense change (SIFT: "Deleterious"; PolyPhen-2: "Benign"; Align-GVGD: "Class C0"). ClinVar contains an entry for this variant (Variation ID: 537777). This variant has not been reported in the literature in individuals affected with SMARCA4-related conditions. This sequence change replaces methionine, which is neutral and non-polar, with leucine, which is neutral and non-polar, at codon 424 of the SMARCA4 protein (p.Met424Leu).

Ambry Genetics
Classification: Uncertain significance for Hereditary cancer-predisposing syndrome. Last evaluated: 2020-06-30. Review status: criteria provided, single submitter. Criteria: Ambry Variant Classification Scheme 2023. Collection method: clinical testing. Allele origin: germline.
Comment: The p.M424L variant (also known as c.1270A>C), located in coding exon 7 of the SMARCA4 gene, results from an A to C substitution at nucleotide position 1270. The methionine at codon 424 is replaced by leucine, an amino acid with highly similar properties. This amino acid position is highly conserved in available vertebrate species. In addition, the in silico prediction for this alteration is inconclusive. Since supporting evidence is limited at this time, the clinical significance of this alteration remains unclear.